The following is an entry in ClinVar:

NM_004385.5(VCAN):c.9358A>G (p.Ser3120Gly)

Genes: VCAN (versican; plus strand), VCAN-AS1 (VCAN antisense RNA 1; minus strand). Cytogenetic location: 5q14.3.
Variant type: single nucleotide variant.
Coding change: c.9358A>G on transcript NM_004385.5 (MANE Select); coding-DNA position 9358, A replaced by G.
Protein change: p.Ser3120Gly; replaces serine 3120 with glycine.
Molecular consequence: missense variant.
Genome position (GRCh38, 1-based): chr5:83,545,629, A>G. VCF-style: chr5-83545629-A-G. GRCh37 (hg19) VCF-style: chr5-82841448-A-G.
Other names: c.1135A>G, p.Ser379Gly (NM_001126336.3); c.6397A>G, p.Ser2133Gly (NM_001164097.2); c.4096A>G, p.Ser1366Gly (NM_001164098.2); short protein forms S1366G, S3120G, S2133G, S379G.
Identifiers: ClinVar variation 2712276 (VCV002712276.3), dbSNP rs767932629, ClinGen allele CA121778390.

ClinVar aggregate classification (germline): Uncertain significance (1 of 4 stars; one submission).

Submission:

Labcorp Genetics (formerly Invitae), Labcorp
Classification: Uncertain significance. Last evaluated: 2023-09-12. Review status: criteria provided, single submitter. Criteria: Invitae Variant Classification Sherloc (09022015). Collection method: clinical testing. Allele origin: germline.
Comment: This variant is not present in population databases (gnomAD no frequency). This sequence change replaces serine, which is neutral and polar, with glycine, which is neutral and non-polar, at codon 3120 of the VCAN protein (p.Ser3120Gly). This variant has not been reported in the literature in individuals affected with VCAN-related conditions. In summary, the available evidence is currently insufficient to determine the role of this variant in disease. Therefore, it has been classified as a Variant of Uncertain Significance. An algorithm developed to predict the effect of missense changes on protein structure and function (PolyPhen-2) suggests that this variant is likely to be tolerated.